The following is an entry in ClinVar:

NM_001710.6(CFB):c.2173_2225dup (p.Ile743fs)

Gene: CFB (complement factor B; plus strand). Cytogenetic location: 6p21.33.
Variant type: Duplication.
Coding change: c.2173_2225dup on transcript NM_001710.6 (MANE Select); coding-DNA positions 2173 to 2225, 53 bases duplicated.
Protein change: p.Ile743fs; shifts the reading frame from isoleucine 743.
Molecular consequence: frameshift variant.
Genome position (GRCh38, 1-based): chr6:31,951,908-31,951,960, 53 bases duplicated. GRCh37 (hg19): chr6:31,919,685-31,919,737.
Other names: short protein forms I743fs.
Identifiers: ClinVar variation 4690091 (VCV004690091.1).

ClinVar aggregate classification (germline): Uncertain significance (1 of 4 stars; one submission).

Submission:

GeneDx
Classification: Uncertain significance. Last evaluated: 2025-07-29. Review status: criteria provided, single submitter. Criteria: GeneDx Variant Classification Process June 2021. Collection method: clinical testing. Allele origin: germline. Affected: yes.
Comment: Not observed at significant frequency in large population cohorts (gnomAD); Frameshift variant predicted to result in abnormal protein length as the last 22 amino acids are replaced with 27 different amino acids; Has not been previously published as pathogenic or benign to our knowledge